The following is an entry in ClinVar:

ClinVar aggregate classification (germline): Uncertain significance (1 of 4 stars; one submission).

Conditions:
Joubert syndrome 16 (JBTS16). Identifiers: Orphanet 2318, MedGen C3280906, MONDO:0013764, OMIM 614465.

gnomAD v4.1: 11 of 1,614,206 alleles (0.00068%); highest among the groups gnomAD compares: Admixed American, 0.0017%; no homozygotes.

Submission:

Labcorp Genetics (formerly Invitae), Labcorp
Classification: Uncertain significance for Joubert syndrome 16. Last evaluated: 2022-07-06. Review status: criteria provided, single submitter. Criteria: Invitae Variant Classification Sherloc (09022015). Collection method: clinical testing. Allele origin: germline.
Comment: In summary, the available evidence is currently insufficient to determine the role of this variant in disease. Therefore, it has been classified as a Variant of Uncertain Significance. Algorithms developed to predict the effect of missense changes on protein structure and function are either unavailable or do not agree on the potential impact of this missense change (SIFT: "Deleterious"; PolyPhen-2: "Benign"; Align-GVGD: "Class C0"). ClinVar contains an entry for this variant (Variation ID: 1386914). This variant has not been reported in the literature in individuals affected with TMEM138-related conditions. This variant is not present in population databases (gnomAD no frequency). This sequence change replaces serine, which is neutral and polar, with tyrosine, which is neutral and polar, at codon 12 of the TMEM138 protein (p.Ser12Tyr).

NM_016464.5(TMEM138):c.35C>A (p.Ser12Tyr)

Gene: TMEM138 (transmembrane protein 138; plus strand). Cytogenetic location: 11q12.2.
Variant type: single nucleotide variant.
Coding change: c.35C>A on transcript NM_016464.5 (MANE Select); coding-DNA position 35, C replaced by A.
Protein change: p.Ser12Tyr; replaces serine 12 with tyrosine.
Molecular consequence: missense variant. On other transcripts: intron variant (1).
Genome position (GRCh38, 1-based): chr11:61,364,425, C>A. VCF-style: chr11-61364425-C-A. GRCh37 (hg19) VCF-style: chr11-61131897-C-A.
Other names: c.-47+110C>A (NM_001330281.2); short protein forms S12Y.
Identifiers: ClinVar variation 1386914 (VCV001386914.4), dbSNP rs1350244778, ClinGen allele CA380677502.